The following is an entry in ClinVar:

ClinVar aggregate classification (germline): Benign. Review status: reviewed by expert panel (3 of 4 stars). 3 submissions from 3 submitters: Benign (1). 2 of the submissions do not count toward it. Last evaluated 2021-05-07.

Conditions:
Ethylmalonic encephalopathy (EE). Also called: Syndrome of encephalopathy, petechiae, and ethylmalonic aciduria; EPEMA syndrome; Encephalopathy, petechiae, and ethylmalonic aciduria. Identifiers: Orphanet 51188, MedGen C1865349, MONDO:0011229, OMIM 602473. Disease mechanism: loss of function.

Allele frequency attached by ClinVar (database versions not stated): gnomAD 0.14035 and 0.14236; gnomAD exomes 0.14490.
gnomAD v4.1: 43,354 of 300,062 alleles (14%); highest among the groups gnomAD compares: Non-Finnish European, 16%; 5,286 homozygotes.

Submissions (3):

ClinGen Mitochondrial Disease Nuclear and Mitochondrial  Variant Curation Expert Panel, ClinGen
Classification: Benign for Ethylmalonic encephalopathy. Last evaluated: 2021-05-07. Review status: reviewed by expert panel. Criteria: ClinGen Mito Disease ACMG Specifications v1. Collection method: curation. Allele origin: germline. Inheritance: Autosomal recessive inheritance.
Comment: The allele frequency of the c.712+181A>G variant in the ETHE1 gene is reported as >12% in gnomAD, including 167 homozygotes, which is high enough to be classified as benign based on thresholds defined by the ClinGen ETHE1 Variant Curation Expert Panel (>0.1% in gnomAD- BA1 and BS2). In silico splicing predictors (Splice AI) for this intronic variant do not predict a deleterious effect (BP7). In summary, this variant meets criteria to be classified as benign for ETHE1-related ethylmalonic encephalopathy. ETHE1-specific ACMG/AMP criteria applied: (BA1, BS2, BP7).

GeneDx
Classification: Benign. Last evaluated: 2018-06-14. Review status: criteria provided, single submitter. Criteria: GeneDx Variant Classification (06012015). Collection method: clinical testing. Allele origin: germline. Affected: yes. Not counted in ClinVar's aggregate classification.
Comment: This variant is considered likely benign or benign based on one or more of the following criteria: it is a conservative change, it occurs at a poorly conserved position in the protein, it is predicted to be benign by multiple in silico algorithms, and/or has population frequency not consistent with disease.

Breakthrough Genomics
Classification: Benign. Review status: criteria provided, single submitter. Criteria: ACMG Guidelines, 2015. Collection method: not provided. Allele origin: germline. Inheritance: Autosomal recessive inheritance. Affected: yes. Not counted in ClinVar's aggregate classification.

NM_014297.5(ETHE1):c.712+181A>G

Gene: ETHE1 (ETHE1 persulfide dioxygenase; minus strand). Cytogenetic location: 19q13.31.
Variant type: single nucleotide variant.
Coding change: c.712+181A>G on transcript NM_014297.5 (MANE Select); 181 bases into the intron after coding-DNA position 712, A replaced by G.
Molecular consequence: intron variant.
Genome position (GRCh38, 1-based): chr19:43,507,763, T>C on the plus strand (A>G on the coding strand, the complement: ETHE1 is on the minus strand). VCF-style: chr19-43507763-T-C. GRCh37 (hg19) VCF-style: chr19-44011915-T-C.
Other names: c.418+181A>G (NM_001320869.2); c.343+181A>G (NM_001320868.2); c.679+181A>G (NM_001320867.2).
Identifiers: ClinVar variation 671647 (VCV000671647.3), dbSNP rs12985024, ClinGen allele CA308740635.